The following is an entry in ClinVar:

ClinVar aggregate classification (germline): Uncertain significance (1 of 4 stars; one submission).

Submission:

Labcorp Genetics (formerly Invitae), Labcorp
Classification: Uncertain significance. Last evaluated: 2021-12-28. Review status: criteria provided, single submitter. Criteria: Invitae Variant Classification Sherloc (09022015). Collection method: clinical testing. Allele origin: germline.
Comment: In summary, the available evidence is currently insufficient to determine the role of this variant in disease. Therefore, it has been classified as a Variant of Uncertain Significance. Experimental studies and prediction algorithms are not available or were not evaluated, and the functional significance of this variant is currently unknown. This variant has not been reported in the literature in individuals affected with CACNA1E-related conditions. This variant is not present in population databases (gnomAD no frequency). This variant, c.4271_4273dup, results in the insertion of 1 amino acid(s) of the CACNA1E protein (p.Ile1424dup), but otherwise preserves the integrity of the reading frame.

NM_001205293.3(CACNA1E):c.4262TCA[5] (p.Ile1424_Thr1425insIle)

Gene: CACNA1E (calcium voltage-gated channel subunit alpha1 E; plus strand). Cytogenetic location: 1q25.3.
Variant type: Microsatellite.
Coding change: c.4262TCA[5] on transcript NM_001205293.3 (MANE Select); five copies in a row of the 3-base unit TCA starting at c.4262; the reference has four copies in a row; one copy, 3 bases duplicated.
Protein change: p.Ile1424_Thr1425insIle.
Molecular consequence: inframe insertion.
Genome position (GRCh38, 1-based): chr1:181,757,068-181,757,070, TCA duplicated; duplicating any 3 consecutive bases within chr1:181,757,059-181,757,070 gives the same sequence; the position shown is the placement nearest the transcript's 3' end. VCF-style (leftmost placement, unchanged base first): chr1-181757058-C-CTCA. GRCh37 (hg19) VCF-style: chr1-181726194-C-CTCA.
Other names: c.4262TCA[5], p.Ile1424_Thr1425insIle (NM_000721.4); c.4205TCA[5], p.Ile1405_Thr1406insIle (NM_001205294.2).
Identifiers: ClinVar variation 2064242 (VCV002064242.4), dbSNP rs2528974122, ClinGen allele CA2580611515.